The following is an entry in ClinVar:

NM_005188.4(CBL):c.2392T>C (p.Ser798Pro)

Gene: CBL (Cbl proto-oncogene; plus strand). Cytogenetic location: 11q23.3.
Variant type: single nucleotide variant.
Coding change: c.2392T>C on transcript NM_005188.4 (MANE Select); coding-DNA position 2392, T replaced by C.
Protein change: p.Ser798Pro; replaces serine 798 with proline.
Molecular consequence: missense variant.
Genome position (GRCh38, 1-based): chr11:119,298,498, T>C. VCF-style: chr11-119298498-T-C. GRCh37 (hg19) VCF-style: chr11-119169208-T-C.
Other names: short protein forms S798P.
Identifiers: ClinVar variation 4613862 (VCV004613862.1).

ClinVar aggregate classification (germline): Uncertain significance (1 of 4 stars; one submission).

Conditions:
Cardiovascular phenotype. Identifiers: MedGen CN230736.

Submission:

Ambry Genetics
Classification: Uncertain significance for Cardiovascular phenotype. Last evaluated: 2025-11-09. Review status: criteria provided, single submitter. Criteria: Ambry Variant Classification Scheme 2023. Collection method: clinical testing. Allele origin: germline.
Comment: The p.S798P variant (also known as c.2392T>C), located in coding exon 15 of the CBL gene, results from a T to C substitution at nucleotide position 2392. The serine at codon 798 is replaced by proline, an amino acid with similar properties. This amino acid position is conserved. In addition, this alteration is predicted to be tolerated by in silico analysis. Based on the available evidence, the clinical significance of this variant remains unclear.